The following is an entry in ClinVar:

ClinVar aggregate classification (germline): Likely benign. Review status: criteria provided, multiple submitters, no conflicts (2 of 4 stars). 2 submissions from 2 submitters: Likely benign (2). Last evaluated 2026-01-08.

Conditions:
Dystonia 12 (DYT12). Also called: Rapid-Onset Dystonia-Parkinsonism (RDP); DYT-ATP1A3. Identifiers: Orphanet 71517, MedGen C1868681, MONDO:0007496, OMIM 128235.

Allele frequency attached by ClinVar (database versions not stated): gnomAD exomes 0.00001; ExAC 0.00002; TOPMed 0.00002.

Submissions (2):

Labcorp Genetics (formerly Invitae), Labcorp
Classification: Likely benign for Dystonia 12. Last evaluated: 2026-01-08. Review status: criteria provided, single submitter. Criteria: Invitae Variant Classification Sherloc (09022015). Collection method: clinical testing. Allele origin: germline.

CeGaT Center for Human Genetics Tuebingen
Classification: Likely benign. Last evaluated: 2025-10-01. Review status: criteria provided, single submitter. Criteria: CeGaT Center For Human Genetics Tuebingen Variant Classification Criteria Version 2. Collection method: clinical testing. Allele origin: germline. Affected: yes. Observed: 2 variant alleles.
Comment: ATP1A3: BP4

NM_152296.5(ATP1A3):c.1839G>A (p.Thr613=)

Gene: ATP1A3 (ATPase Na+/K+ transporting subunit alpha 3; minus strand). Cytogenetic location: 19q13.2.
Variant type: single nucleotide variant.
Coding change: c.1839G>A on transcript NM_152296.5 (MANE Select); coding-DNA position 1839, G replaced by A.
Protein change: p.Thr613=; no amino-acid change (threonine 613 retained).
Molecular consequence: synonymous variant.
Genome position (GRCh38, 1-based): chr19:41,978,040, C>T on the plus strand (G>A on the coding strand, the complement: ATP1A3 is on the minus strand). VCF-style: chr19-41978040-C-T. GRCh37 (hg19) VCF-style: chr19-42482192-C-T.
Other names: c.1872G>A, p.Thr624= (NM_001256213.2); c.1878G>A, p.Thr626= (NM_001256214.2).
Identifiers: ClinVar variation 1015774 (VCV001015774.34), dbSNP rs376852509, ClinGen allele CA9467549.